The following is an entry in ClinVar:

ClinVar aggregate classification (germline): Likely benign. Review status: criteria provided, single submitter (1 of 4 stars). 2 submissions from 2 submitters: Likely benign (1). 1 of the submissions does not count toward it. Last evaluated 2024-08-20.

Conditions:
Familial temporal lobe epilepsy 7. Identifiers: Orphanet 101046, MedGen C4225327, MONDO:0014639, OMIM 616436.
Norman-Roberts syndrome (LIS2). Also called: Lissencephaly 2 (Norman-Roberts type). Identifiers: Orphanet 89844, MedGen C0796089, MONDO:0009760, OMIM 257320.
RELN-related disorder. Also called: RELN-related condition.

Allele frequency attached by ClinVar (database versions not stated): ExAC 0.00001; gnomAD exomes 0.00001; ESP Exome Variant Server 0.00008.
gnomAD v4.1: 9 of 1,613,950 alleles (0.00056%); highest among the groups gnomAD compares: South Asian, 0.0033%; no homozygotes.

Submissions (2):

Labcorp Genetics (formerly Invitae), Labcorp
Classification: Likely benign for Familial temporal lobe epilepsy 7; Norman-Roberts syndrome. Last evaluated: 2024-08-20. Review status: criteria provided, single submitter. Criteria: Invitae Variant Classification Sherloc (09022015). Collection method: clinical testing. Allele origin: germline.

PreventionGenetics, part of Exact Sciences
Classification: Likely benign for RELN-related condition. Last evaluated: 2022-09-19. Review status: no assertion criteria provided. Collection method: clinical testing. Allele origin: germline. Not counted in ClinVar's aggregate classification.
Comment: This variant is classified as likely benign based on ACMG/AMP sequence variant interpretation guidelines (Richards et al. 2015 PMID: 25741868, with internal and published modifications).

NM_005045.4(RELN):c.9948A>G (p.Gln3316=)

Genes: SLC26A5-AS1 (SLC26A5 antisense RNA 1; plus strand), RELN (reelin; minus strand). Cytogenetic location: 7q22.1.
Variant type: single nucleotide variant.
Coding change: c.9948A>G on transcript NM_005045.4 (MANE Select); coding-DNA position 9948, A replaced by G.
Protein change: p.Gln3316=; no amino-acid change (glutamine 3316 retained).
Molecular consequence: synonymous variant.
Genome position (GRCh38, 1-based): chr7:103,486,232, T>C on the plus strand (A>G on the coding strand, the complement: RELN is on the minus strand). VCF-style: chr7-103486232-T-C. GRCh37 (hg19) VCF-style: chr7-103126679-T-C.
Other names: c.9948A>G, p.Gln3316= (NM_173054.3); c.9948A>G (NM_005045.3).
Identifiers: ClinVar variation 1121116 (VCV001121116.11), dbSNP rs141930548, ClinGen allele CA4420094.